The following is an entry in ClinVar:

NM_001379210.1(SLC25A26):c.172A>C (p.Ile58Leu)

Gene: SLC25A26 (solute carrier family 25 member 26; plus strand). Cytogenetic location: 3p14.1.
Variant type: single nucleotide variant.
Coding change: c.172A>C on transcript NM_001379210.1 (MANE Select); coding-DNA position 172, A replaced by C.
Protein change: p.Ile58Leu; replaces isoleucine 58 with leucine.
Molecular consequence: missense variant. On other transcripts: non-coding transcript variant (8), intron variant (3), 5 prime UTR variant (2).
Genome position (GRCh38, 1-based): chr3:66,236,682, A>C. VCF-style: chr3-66236682-A-C. GRCh37 (hg19) VCF-style: chr3-66287106-A-C.
Other names: p.Ile58Leu; c.-74-6521A>C (NM_001164796.1, NM_001400709.1, NM_001400714.1); c.-93A>C (NM_001350993.1, NM_001400711.1); c.172A>C, p.Ile58Leu (NM_001400705.1, NM_001400707.1, NM_173471.4); short protein forms I58L.
Identifiers: ClinVar variation 4540891 (VCV004540891.1).

ClinVar aggregate classification (germline): Uncertain significance (1 of 4 stars; one submission).

gnomAD v4.1: 26 of 1,521,216 alleles (0.0017%); highest among the groups gnomAD compares: South Asian, 0.0036%; no homozygotes.

Submission:

Mayo Clinic Laboratories, Mayo Clinic
Classification: Uncertain significance. Last evaluated: 2025-10-24. Review status: criteria provided, single submitter. Criteria: ACMG Guidelines, 2015. Collection method: clinical testing. Allele origin: germline. Observed: 1 variant allele.
Comment: BP4